The following is an entry in ClinVar:

ClinVar aggregate classification (germline): Uncertain significance. Review status: criteria provided, multiple submitters, no conflicts (2 of 4 stars). 2 submissions from 2 submitters: Uncertain significance (2). Last evaluated 2024-10-29.

Conditions:
Inborn genetic diseases. Identifiers: MedGen C0950123, MeSH D030342.

Allele frequency attached by ClinVar (database versions not stated): gnomAD 0.00003; gnomAD exomes 0.00006; TOPMed 0.00006; ExAC 0.00008; ESP Exome Variant Server 0.00015.
gnomAD v4.1: 49 of 1,605,970 alleles (0.0031%); highest among the groups gnomAD compares: Admixed American, 0.022%; no homozygotes.

Submissions (2):

Labcorp Genetics (formerly Invitae), Labcorp
Classification: Uncertain significance. Last evaluated: 2024-10-29. Review status: criteria provided, single submitter. Criteria: Invitae Variant Classification Sherloc (09022015). Collection method: clinical testing. Allele origin: germline.
Comment: This sequence change replaces serine, which is neutral and polar, with arginine, which is basic and polar, at codon 138 of the P3H2 protein (p.Ser138Arg). This variant is present in population databases (rs375401060, gnomAD 0.03%). This variant has not been reported in the literature in individuals affected with P3H2-related conditions. ClinVar contains an entry for this variant (Variation ID: 1442018). Invitae Evidence Modeling of protein sequence and biophysical properties (such as structural, functional, and spatial information, amino acid conservation, physicochemical variation, residue mobility, and thermodynamic stability) indicates that this missense variant is not expected to disrupt P3H2 protein function with a negative predictive value of 80%. In summary, the available evidence is currently insufficient to determine the role of this variant in disease. Therefore, it has been classified as a Variant of Uncertain Significance.

Ambry Genetics
Classification: Uncertain significance for Inborn genetic diseases. Last evaluated: 2022-05-11. Review status: criteria provided, single submitter. Criteria: Ambry Variant Classification Scheme 2023. Collection method: clinical testing. Allele origin: germline.

NM_018192.4(P3H2):c.414C>G (p.Ser138Arg)

Gene: P3H2 (prolyl 3-hydroxylase 2; minus strand). Cytogenetic location: 3q28.
Variant type: single nucleotide variant.
Coding change: c.414C>G on transcript NM_018192.4 (MANE Select); coding-DNA position 414, C replaced by G.
Protein change: p.Ser138Arg; replaces serine 138 with arginine.
Molecular consequence: missense variant. On other transcripts: intron variant (1).
Genome position (GRCh38, 1-based): chr3:190,120,318, G>C on the plus strand (C>G on the coding strand, the complement: P3H2 is on the minus strand). VCF-style: chr3-190120318-G-C. GRCh37 (hg19) VCF-style: chr3-189838107-G-C.
Other names: c.-64+1885C>G (NM_001134418.2); c.414C>G (NM_018192.3); short protein forms S138R.
Identifiers: ClinVar variation 1442018 (VCV001442018.6), dbSNP rs375401060, ClinGen allele CA2753377.
Genomic context (GRCh38, chr3:190,120,318, plus strand): 5'-GTAGGCCCGCTGCAGGTAGTTGTAGGGCACTCTGCGCTGGAAGTCGCTGCGCACATCCTC[G>C]CTGACGCGGTGGCGGGATGCGGGGCCCCCGAGGCGCTGGGTCTCACAGCTGCGATAACAG-3'
Protein context (NP_060662.2, residues 128-148): LGGPASRHRV[Ser138Arg]EDVRSDFQRR